The following is an entry in ClinVar:

NM_004225.3(MFHAS1):c.2511G>A (p.Lys837=)

Gene: MFHAS1 (multifunctional ROCO family signaling regulator 1). Cytogenetic location: 8p23.1.
Variant type: single nucleotide variant.
Coding change: c.2511G>A on transcript NM_004225.3 (MANE Select); coding-DNA position 2511, G replaced by A.
Protein change: p.Lys837=; no amino-acid change (lysine 837 retained).
Molecular consequence: synonymous variant.
Genome position (GRCh38, 1-based): chr8:8,890,548, C>T on the plus strand (G>A on the coding strand, the complement: MFHAS1 is on the minus strand). VCF-style: chr8-8890548-C-T. GRCh37 (hg19) VCF-style: chr8-8748058-C-T.
Other names: NC_000008.10:g.8748058C>T; c.2511G>A (NM_004225.2).
Identifiers: ClinVar variation 2658376 (VCV002658376.26), dbSNP rs146502253, ClinGen allele CA4618953.

ClinVar aggregate classification (germline): Likely benign. Review status: criteria provided, single submitter (1 of 4 stars). 2 submissions from 2 submitters: Likely benign (1). 1 of the submissions does not count toward it. Last evaluated 2023-01-01.

Conditions:
MFHAS1-related disorder. Also called: MFHAS1-related condition.

Allele frequency attached by ClinVar (database versions not stated): 1000 Genomes Project 30x 0.00047; 1000 Genomes Project 0.00060; ESP Exome Variant Server 0.00123; TOPMed 0.00139; gnomAD 0.00172; ExAC 0.00201; gnomAD exomes 0.00287.
gnomAD v4.1: 4,391 of 1,613,534 alleles (0.27%); highest among the groups gnomAD compares: Non-Finnish European, 0.33%; 10 homozygotes.

Submissions (3):

CeGaT Center for Human Genetics Tuebingen
Classification: Likely benign. Last evaluated: 2023-01-01. Review status: criteria provided, single submitter. Criteria: CeGaT Center For Human Genetics Tuebingen Variant Classification Criteria Version 2. Collection method: clinical testing. Allele origin: germline. Affected: yes. Observed: 1 variant allele.
Comment: MFHAS1: BP4, BS2

PreventionGenetics, part of Exact Sciences
Classification: Likely benign for MFHAS1-related condition. Last evaluated: 2019-05-01. Review status: no assertion criteria provided. Collection method: clinical testing. Allele origin: germline. Not counted in ClinVar's aggregate classification.
Comment: This variant is classified as likely benign based on ACMG/AMP sequence variant interpretation guidelines (Richards et al. 2015 PMID: 25741868, with internal and published modifications).

Dr. Peter K. Rogan Lab, Western University
No classification provided (evidence only). Condition: Acute myeloid leukemia. Review status: no classification provided. Collection method: in vitro. Allele origin: not applicable. Functional consequence: retained intron. Not counted in ClinVar's aggregate classification.